The following is an entry in ClinVar:

ClinVar aggregate classification (germline): Conflicting classifications of pathogenicity. Review status: criteria provided, conflicting classifications (1 of 4 stars). 7 submissions from 7 submitters: Uncertain significance (5); Likely benign (1). 1 of the submissions does not count toward it. Last evaluated 2025-03-20.

Conditions:
Hereditary cancer-predisposing syndrome. Also called: Tumor predisposition; Neoplastic Syndromes, Hereditary; Hereditary Cancer Syndrome; Hereditary neoplastic syndrome. Identifiers: Orphanet 140162, MedGen C0027672, MeSH D009386, MONDO:0015356.
Hereditary breast ovarian cancer syndrome. Also called: Hereditary breast and ovarian cancer syndrome (HBOC); Hereditary breast and ovarian cancer syndrome; Hereditary breast and ovarian cancer; Hereditary breast and/or ovarian cancer syndrome; Breast and ovarian cancer; BRCA1- and BRCA2-Associated Hereditary Breast and Ovarian Cancer. Identifiers: Orphanet 145, MedGen C0677776, MeSH D061325, MONDO:0003582. Disease mechanism: loss of function.
Breast-ovarian cancer, familial, susceptibility to, 1 (BROVCA1). Also called: OVARIAN CANCER, SUSCEPTIBILITY TO; BRCA1 Hereditary Breast and Ovarian Cancer. Identifiers: Orphanet 145, MedGen C2676676, MONDO:0011450, OMIM 604370. Disease mechanism: loss of function.

Allele frequency attached by ClinVar (database versions not stated): gnomAD exomes below 0.00001.
gnomAD v4.1: 2 of 1,613,728 alleles (0.00012%); highest among the groups gnomAD compares: East Asian, 0.0045%; no homozygotes.

Submissions (7):

Labcorp Genetics (formerly Invitae), Labcorp
Classification: Uncertain significance for Hereditary breast ovarian cancer syndrome. Last evaluated: 2025-03-20. Review status: criteria provided, single submitter. Criteria: Invitae Variant Classification Sherloc (09022015). Collection method: clinical testing. Allele origin: germline.
Comment: This sequence change replaces glutamine, which is neutral and polar, with arginine, which is basic and polar, at codon 1096 of the BRCA1 protein (p.Gln1096Arg). This variant is not present in population databases (gnomAD no frequency). This variant has not been reported in the literature in individuals affected with BRCA1-related conditions. ClinVar contains an entry for this variant (Variation ID: 54820). Invitae Evidence Modeling of protein sequence and biophysical properties (such as structural, functional, and spatial information, amino acid conservation, physicochemical variation, residue mobility, and thermodynamic stability) indicates that this missense variant is not expected to disrupt BRCA1 protein function with a negative predictive value of 80%. In summary, the available evidence is currently insufficient to determine the role of this variant in disease. Therefore, it has been classified as a Variant of Uncertain Significance.

All of Us Research Program, National Institutes of Health
Classification: Uncertain significance for Breast-ovarian cancer, familial, susceptibility to, 1. Last evaluated: 2023-12-01. Review status: criteria provided, single submitter. Criteria: ACMG Guidelines, 2015. Collection method: clinical testing. Allele origin: germline. Inheritance: Autosomal dominant inheritance. Observed: 2 variant alleles, 2 heterozygotes.
Comment: This missense variant replaces glutamine with arginine at codon 1096 of the BRCA1 protein. Computational prediction is inconclusive regarding the impact of this variant on protein structure and function (internally defined REVEL score threshold 0.5 < inconclusive < 0.7, PMID: 27666373). Splice site prediction tools suggest that this variant may not impact RNA splicing. To our knowledge, functional studies have not been performed for this variant. This variant has not been reported in individuals affected with hereditary cancer in the literature. This variant has not been identified in the general population by the Genome Aggregation Database (gnomAD). The available evidence is insufficient to determine the role of this variant in disease conclusively. Therefore, this variant is classified as a Variant of Uncertain Significance.

This study involves interpretation of variants in research participants for the purpose of population health screening. Participant phenotype was not available at the time of variant classification. Additional details can be found in publication PMID: 35346344, PMCID: PMC8962531

GeneDx
Classification: Uncertain significance. Last evaluated: 2023-07-25. Review status: criteria provided, single submitter. Criteria: GeneDx Variant Classification Process June 2021. Collection method: clinical testing. Allele origin: germline. Affected: yes.
Comment: Identified in an individual with pancreatic cancer (Yin et al., 2022); Not observed at significant frequency in large population cohorts (gnomAD); In silico analysis supports that this missense variant has a deleterious effect on protein structure/function; Also known as 3406A>G; This variant is associated with the following publications: (PMID: 29884841, 32377563, 31911673, 31853058, 35171259)

University of Washington Department of Laboratory Medicine, University of Washington
Classification: Likely benign for Hereditary cancer-predisposing syndrome. Last evaluated: 2023-03-23. Review status: criteria provided, single submitter. Criteria: Dines et al. (Genet Med. 2020). Collection method: curation. Allele origin: germline.
Comment: Missense variant in a coldspot region where missense variants are very unlikely to be pathogenic (PMID:31911673).

BRCA1 coldspot (exon 11 using historical exon numbering). Reclassification based on statistical prior probability

Ambry Genetics
Classification: Uncertain significance for Hereditary cancer-predisposing syndrome. Last evaluated: 2022-09-14. Review status: criteria provided, single submitter. Criteria: Ambry Variant Classification Scheme 2023. Collection method: clinical testing. Allele origin: germline.
Comment: The p.Q1096R variant (also known as c.3287A>G), located in coding exon 9 of the BRCA1 gene, results from an A to G substitution at nucleotide position 3287. The glutamine at codon 1096 is replaced by arginine, an amino acid with highly similar properties. This amino acid position is well conserved in available vertebrate species. In addition, the in silico prediction for this alteration is inconclusive. Since supporting evidence is limited at this time, the clinical significance of this alteration remains unclear.

Color Diagnostics, LLC DBA Color Health
Classification: Uncertain significance for Hereditary cancer-predisposing syndrome. Last evaluated: 2019-04-12. Review status: criteria provided, single submitter. Criteria: ACMG Guidelines, 2015. Collection method: clinical testing. Allele origin: germline.
Comment: This missense variant replaces glutamine with arginine at codon 1096 of the BRCA1 protein. Computational prediction is inconclusive regarding the impact of this variant on protein structure and function (internally defined REVEL score threshold 0.5 < inconclusive < 0.7, PMID: 27666373). Splice site prediction tools suggest that this variant may not impact RNA splicing. To our knowledge, functional studies have not been performed for this variant. This variant has not been reported in individuals affected with hereditary cancer in the literature. This variant has not been identified in the general population by the Genome Aggregation Database (gnomAD). The available evidence is insufficient to determine the role of this variant in disease conclusively. Therefore, this variant is classified as a Variant of Uncertain Significance.

Breast Cancer Information Core (BIC) (BRCA1)
Classification: Uncertain significance for Breast-ovarian cancer, familial 1. Last evaluated: 2011-03-02. Review status: no assertion criteria provided. Collection method: clinical testing. Allele origin: germline. Affected: yes. Observed: 1 variant allele. Not counted in ClinVar's aggregate classification.

NM_007294.4(BRCA1):c.3287A>G (p.Gln1096Arg)

Genes: BRCA1 (BRCA1 DNA repair associated; minus strand), LOC126862571 (BRD4-independent group 4 enhancer GRCh37_chr17:41243136-41244335; plus strand). Cytogenetic location: 17q21.31.
Variant type: single nucleotide variant.
Coding change: c.3287A>G on transcript NM_007294.4 (MANE Select); coding-DNA position 3287, A replaced by G.
Protein change: p.Gln1096Arg; replaces glutamine 1096 with arginine.
Molecular consequence: missense variant. On other transcripts: intron variant (137).
Genome position (GRCh38, 1-based): chr17:43,092,244, T>C on the plus strand (A>G on the coding strand, the complement: BRCA1 is on the minus strand). VCF-style: chr17-43092244-T-C. GRCh37 (hg19) VCF-style: chr17-41244261-T-C.
Other names: Q1069R; c.3161A>G, p.Gln1054Arg (NM_001407690.1, NM_001407691.1, NM_001407940.1 and 11 more transcripts); c.3146A>G, p.Gln1049Arg (NM_001407692.1, NM_001407694.1, NM_001407695.1 and 29 more transcripts); c.3143A>G, p.Gln1048Arg (NM_001407740.1, NM_001407741.1, NM_001407742.1 and 20 more transcripts); c.3074A>G, p.Gln1025Arg (NM_001407853.1, NM_001407894.1, NM_001407895.1 and 9 more transcripts); c.3287A>G, p.Gln1096Arg (NM_001407854.1, NM_001407858.1, NM_001407859.1 and 30 more transcripts); c.3284A>G, p.Gln1095Arg (NM_001407860.1, NM_001407861.1, NM_001407587.1 and 22 more transcripts); c.3086A>G, p.Gln1029Arg (NM_001407862.1); and 42 more; short protein forms Q1096R, Q1049R, Q1008R, Q1054R, Q928R, Q1026R, Q1029R, Q1055R.
Identifiers: ClinVar variation 54820 (VCV000054820.20), dbSNP rs273899704, ClinGen allele CA002120.
Genomic context (GRCh38, chr17:43,092,244, plus strand): 5'-ACTTCTTCATATTCTTGCTTTTTTATTTCAGGATGCTTACAATTACTTCCAGGAAGACTT[T>C]GTTTATAGACCTCAGGTTGCAAAACCCCTAATCTAAGCATAGCATTCAATTTTGGCCCTC-3'
Protein context (NP_009225.1, residues 1086-1106): LGVLQPEVYK[Gln1096Arg]SLPGSNCKHP